The following is an entry in ClinVar:

NM_016077.5(PTRH2):c.134C>T (p.Thr45Met)

Gene: PTRH2 (peptidyl-tRNA hydrolase 2; minus strand). Cytogenetic location: 17q23.1.
Variant type: single nucleotide variant.
Coding change: c.134C>T on transcript NM_016077.5 (MANE Select); coding-DNA position 134, C replaced by T.
Protein change: p.Thr45Met; replaces threonine 45 with methionine.
Molecular consequence: missense variant.
Genome position (GRCh38, 1-based): chr17:59,697,845, G>A on the plus strand (C>T on the coding strand, the complement: PTRH2 is on the minus strand). VCF-style: chr17-59697845-G-A. GRCh37 (hg19) VCF-style: chr17-57775206-G-A.
Other names: c.137C>T, p.Thr46Met (NM_001015509.3); short protein forms T45M, T46M.
Identifiers: ClinVar variation 4689475 (VCV004689475.1).
Genomic context (GRCh38, chr17:59,697,845, plus strand): 5'-TACTCCCCGCTGTCTCCCAAGATGCTTGCTTCACTTTCAGTATCTGTGTGTGTCTTGCTC[G>A]TCTTGCTTTTGGGGAGCATCCCAAAGCATACTCGAAGGCTCCAGCCCAGGCACATGCCAC-3'
Protein context (NP_057161.1, residues 35-55): VCFGMLPKSK[Thr45Met]SKTHTDTESE

ClinVar aggregate classification (germline): Uncertain significance (1 of 4 stars; one submission).

gnomAD v4.1: 7 of 1,614,090 alleles (0.00043%); highest among the groups gnomAD compares: East Asian, 0.0022%; no homozygotes.

Submission:

Women's Health and Genetics/Laboratory Corporation of America, LabCorp
Classification: Uncertain significance. Last evaluated: 2026-01-12. Review status: criteria provided, single submitter. Criteria: LabCorp Variant Classification Summary - May 2015. Collection method: clinical testing. Allele origin: germline.
Comment: Variant summary: PTRH2 c.134C>T (p.Thr45Met) results in a non-conservative amino acid change in the encoded protein sequence. Algorithms developed to predict the effect of missense changes on protein structure and function are either unavailable or do not agree on the potential impact of this missense change. The variant was absent in 251366 control chromosomes. The available data on variant occurrences in the general population are insufficient to allow any conclusion about variant significance. To our knowledge, no occurrence of c.134C>T in individuals affected with PTRH2-related conditions and no experimental evidence demonstrating its impact on protein function have been reported. No submitters have cited clinical-significance assessments for this variant to ClinVar. Based on the evidence outlined above, the variant was classified as uncertain significance.